The following is an entry in ClinVar:

NM_001366145.2(TRPM3):c.3622G>T (p.Glu1208Ter)

Genes: KLF9-DT (KLF9 divergent transcript; plus strand), TRPM3 (transient receptor potential cation channel subfamily M member 3; minus strand). Cytogenetic location: 9q21.12.
Variant type: single nucleotide variant.
Coding change: c.3622G>T on transcript NM_001366145.2 (MANE Select); coding-DNA position 3622, G replaced by T.
Protein change: p.Glu1208Ter; replaces glutamic acid 1208 with a stop codon.
Molecular consequence: nonsense.
Genome position (GRCh38, 1-based): chr9:70,549,627, C>A on the plus strand (G>T on the coding strand, the complement: TRPM3 is on the minus strand). VCF-style: chr9-70549627-C-A. GRCh37 (hg19) VCF-style: chr9-73164543-C-A.
Other names: c.3622G>T, p.Glu1208Ter (NM_001366146.2); c.3697G>T, p.Glu1233Ter (NM_001366147.2, NM_001366152.2); c.3667G>T, p.Glu1223Ter (NM_001366148.2); c.3592G>T, p.Glu1198Ter (NM_001366149.2, NM_001366141.2, NM_001366143.2); c.3556G>T, p.Glu1186Ter (NM_001366150.2); c.3586G>T, p.Glu1196Ter (NM_001366151.2, NM_001007471.4); c.3163G>T, p.Glu1055Ter (NM_001366154.2, NM_024971.7); c.3628G>T, p.Glu1210Ter (NM_001366142.2); and 5 more; short protein forms E1033*, E1043*, E1045*, E1055*, E1058*, E1068*, E1186*, E1196*.
Identifiers: ClinVar variation 4528064 (VCV004528064.1).

ClinVar aggregate classification (germline): Uncertain significance (1 of 4 stars; one submission).

Submission:

GeneDx
Classification: Uncertain significance. Last evaluated: 2025-05-08. Review status: criteria provided, single submitter. Criteria: GeneDx Variant Classification Process June 2021. Collection method: clinical testing. Allele origin: germline. Affected: yes.
Comment: Not observed at significant frequency in large population cohorts (gnomAD); Has not been previously published as pathogenic or benign to our knowledge; Nonsense variant predicted to result in protein truncation or nonsense mediated decay in a gene or region of a gene for which loss-of-function is not an established mechanism of disease